The following is an entry in ClinVar:

ClinVar aggregate classification (germline): Pathogenic. Review status: reviewed by expert panel (3 of 4 stars). 4 submissions from 4 submitters: Pathogenic (1). 3 of the submissions do not count toward it. Last evaluated 2020-10-15.

Conditions:
Phenylketonuria (PKU). Also called: OLIGOPHRENIA PHENYLPYRUVICA; Phenylketonuria (PKU); Phenylketonurias; FOLLING DISEASE. Identifiers: Orphanet 716, MedGen C0031485, MONDO:0009861, OMIM 261600. Disease mechanism: loss of function.

gnomAD v4.1: 1 of 1,613,654 alleles (0.000062%); highest among the groups gnomAD compares: Non-Finnish European, 0.000085%; no homozygotes.

Submissions (4):

ClinGen PAH Variant Curation Expert Panel
Classification: Pathogenic for Phenylketonuria. Last evaluated: 2020-10-15. Review status: reviewed by expert panel. Criteria: ClinGen PAH ACMG Specifications v1. Collection method: curation. Allele origin: germline. Inheritance: Autosomal recessive inheritance.
Comment: This variant c.462C>A (p.Tyr154Ter) in PAH was reported in at least 1 Han Chinese patient with PAH deficiency (paper did not specify how many patients had this variant) (PMID: 28982351), although a defect in BH4 metabolism was excluded by urinary pterin analysis only. This is a nonsense variant in exon 5 out of 13 coding exons, predicted to undergo nonsense mediated mRNA decay, as it is not located in the 3'-most exon or the 3'-most 50 bp of the penultimate exon. The exon is present in biologically-relevant transcripts. This variant is absent in population databases. In summary, this variant meets criteria to be classified as pathogenic for PAH. PAH-specific ACMG/AMP criteria applied: PVS1, PM2, PP4.

Natera, Inc.
Classification: Likely pathogenic for Phenylketonuria. Last evaluated: 2024-07-22. Review status: criteria provided, single submitter. Criteria: Natera Variant Classification Schema (03/2026). Collection method: clinical testing. Allele origin: germline. Not counted in ClinVar's aggregate classification.
Comment: The c.462C>A variant in PAH is a nonsense variant predicted to introduce a stop codon at amino acid 154. This variant is expected to result in nonsense mediated decay, truncation, or a dysfunctional protein product. This variant is rare in the general population with a frequency below the threshold expected for the associated phenotype(s). Given the available evidence, this variant is classified as Likely Pathogenic.

Baylor Genetics
Classification: Likely pathogenic for Phenylketonuria. Last evaluated: 2023-07-14. Review status: criteria provided, single submitter. Criteria: ACMG Guidelines, 2015. Collection method: clinical testing. Allele origin: unknown. Not counted in ClinVar's aggregate classification.

Neonatal Disease Screening Center, Medical Genetics Center, Huaihua City Maternal and Child Health Care Hospital
Classification: Pathogenic for Phenylketonuria. Review status: no assertion criteria provided. Criteria: ACMG Guidelines, 2015. Collection method: clinical testing. Allele origin: germline. Affected: yes. Observed: 1 variant allele. Not counted in ClinVar's aggregate classification.
Comment: PVS1+PM2+PM3_S+PP4

Literature cited by the submitters: PubMed 28982351 (cited by ClinGen PAH Variant Curation Expert Panel).

NM_000277.3(PAH):c.462C>A (p.Tyr154Ter)

Gene: PAH (phenylalanine hydroxylase; minus strand). Cytogenetic location: 12q23.2.
Variant type: single nucleotide variant.
Coding change: c.462C>A on transcript NM_000277.3 (MANE Select); coding-DNA position 462, C replaced by A.
Protein change: p.Tyr154Ter; replaces tyrosine 154 with a stop codon.
Molecular consequence: nonsense.
Genome position (GRCh38, 1-based): chr12:102,866,643, G>T on the plus strand (C>A on the coding strand, the complement: PAH is on the minus strand). VCF-style: chr12-102866643-G-T. GRCh37 (hg19) VCF-style: chr12-103260421-G-T.
Other names: c.462C>A (NM_000277.2, NM_000277.1); c.462C>A, p.Tyr154Ter (NM_001354304.2); short protein forms Y154*.
Identifiers: ClinVar variation 987879 (VCV000987879.5), dbSNP rs1191473722, ClinGen allele CA386299637.